The following is an entry in ClinVar:

ClinVar aggregate classification (germline): Pathogenic (1 of 4 stars; one submission).

Submission:

Labcorp Genetics (formerly Invitae), Labcorp
Classification: Pathogenic. Last evaluated: 2022-05-12. Review status: criteria provided, single submitter. Criteria: Invitae Variant Classification Sherloc (09022015). Collection method: clinical testing. Allele origin: germline.
Comment: This sequence change creates a premature translational stop signal (p.Asp1026Glyfs*3) in the POLE gene. It is expected to result in an absent or disrupted protein product. Loss-of-function variants in POLE are known to be pathogenic (PMID: 23230001, 25948378, 30503519). This variant is not present in population databases (gnomAD no frequency). This variant has not been reported in the literature in individuals affected with POLE-related conditions. ClinVar contains an entry for this variant (Variation ID: 1052126). For these reasons, this variant has been classified as Pathogenic.

Literature cited by the submitters: PubMed 23230001; PubMed 25948378; PubMed 30503519.

NM_006231.4(POLE):c.3076dup (p.Asp1026fs)

Gene: POLE (DNA polymerase epsilon, catalytic subunit; minus strand). Cytogenetic location: 12q24.33.
Variant type: Duplication.
Coding change: c.3076dup on transcript NM_006231.4 (MANE Select); coding-DNA position 3076, one base duplicated (G; older notation c.3076dupG).
Protein change: p.Asp1026fs; shifts the reading frame from aspartic acid 1026.
Molecular consequence: frameshift variant.
Genome position (GRCh38, 1-based): chr12:132,659,494, C duplicated on the plus strand (G on the coding strand, the reverse complement: POLE is on the minus strand). VCF-style (leftmost placement, unchanged base first): chr12-132659493-T-TC. GRCh37 (hg19) VCF-style: chr12-133236079-T-TC.
Other names: short protein forms D1026fs.
Identifiers: ClinVar variation 1052126 (VCV001052126.9), dbSNP rs2138678956, ClinGen allele CA2499221526.